The following is an entry in ClinVar:

ClinVar aggregate classification (germline): Conflicting classifications of pathogenicity. Review status: criteria provided, conflicting classifications (1 of 4 stars). 3 submissions from 3 submitters: Uncertain significance (1); Likely benign (1). 1 of the submissions does not count toward it. Last evaluated 2025-06-02.

Conditions:
Hereditary breast ovarian cancer syndrome. Also called: Hereditary breast and ovarian cancer syndrome; Hereditary breast and ovarian cancer; Hereditary breast and ovarian cancer syndrome (HBOC); Breast and ovarian cancer; Hereditary breast and/or ovarian cancer syndrome; BRCA1- and BRCA2-Associated Hereditary Breast and Ovarian Cancer. Identifiers: Orphanet 145, MedGen C0677776, MeSH D061325, MONDO:0003582. Disease mechanism: loss of function.
Hereditary cancer-predisposing syndrome. Also called: Neoplastic Syndromes, Hereditary; Tumor predisposition; Hereditary Cancer Syndrome; Hereditary neoplastic syndrome. Identifiers: Orphanet 140162, MedGen C0027672, MeSH D009386, MONDO:0015356.
Familial cancer of breast. Also called: BREAST CANCER, FAMILIAL; Hereditary breast cancer; hereditary breast carcinoma. Identifiers: Orphanet 227535, MedGen C0346153, MONDO:0016419, OMIM 114480. Disease mechanism: loss of function.

Allele frequency attached by ClinVar (database versions not stated): gnomAD exomes below 0.00001.
gnomAD v4.1: 1 of 1,614,124 alleles (0.000062%); highest among the groups gnomAD compares: Admixed American, 0.0017%; no homozygotes.

Submissions (3):

Labcorp Genetics (formerly Invitae), Labcorp
Classification: Uncertain significance for Hereditary breast ovarian cancer syndrome. Last evaluated: 2025-06-02. Review status: criteria provided, single submitter. Criteria: Invitae Variant Classification Sherloc (09022015). Collection method: clinical testing. Allele origin: germline.
Comment: This sequence change replaces serine, which is neutral and polar, with asparagine, which is neutral and polar, at codon 1179 of the BRCA2 protein (p.Ser1179Asn). This variant is present in population databases (rs397507674, gnomAD 0.003%). This missense change has been observed in individual(s) with breast and ovarian cancer (PMID: 11139248, 34178674). ClinVar contains an entry for this variant (Variation ID: 51483). Invitae Evidence Modeling of protein sequence and biophysical properties (such as structural, functional, and spatial information, amino acid conservation, physicochemical variation, residue mobility, and thermodynamic stability) indicates that this missense variant is not expected to disrupt BRCA2 protein function with a negative predictive value of 95%. In summary, the available evidence is currently insufficient to determine the role of this variant in disease. Therefore, it has been classified as a Variant of Uncertain Significance.

University of Washington Department of Laboratory Medicine, University of Washington
Classification: Likely benign for Hereditary cancer-predisposing syndrome. Last evaluated: 2023-03-23. Review status: criteria provided, single submitter. Criteria: Dines et al. (Genet Med. 2020). Collection method: curation. Allele origin: germline.
Comment: Missense variant in a coldspot region where missense variants are very unlikely to be pathogenic (PMID:31911673).

BRCA2 exon 11 coldspot. Reclassification based on statistical prior probability.

ClinVar Staff, National Center for Biotechnology Information (NCBI)
No classification provided. Condition: Familial cancer of breast. Review status: no classification provided. Collection method: literature only. Allele origin: germline. Affected: yes. Not counted in ClinVar's aggregate classification.

Literature cited by the submitters: PubMed 11139248 (cited by Labcorp Genetics (formerly Invitae), Labcorp and ClinVar Staff, National Center for Biotechnology Information (NCBI)); PubMed 34178674 (cited by Labcorp Genetics (formerly Invitae), Labcorp).

NM_000059.4(BRCA2):c.3536G>A (p.Ser1179Asn)

Gene: BRCA2 (BRCA2 DNA repair associated; plus strand). Cytogenetic location: 13q13.1.
Variant type: single nucleotide variant.
Coding change: c.3536G>A on transcript NM_000059.4 (MANE Select); coding-DNA position 3536, G replaced by A.
Protein change: p.Ser1179Asn; replaces serine 1179 with asparagine.
Molecular consequence: missense variant.
Genome position (GRCh38, 1-based): chr13:32,337,891, G>A. VCF-style: chr13-32337891-G-A. GRCh37 (hg19) VCF-style: chr13-32912028-G-A.
Other names: short protein forms S1179N.
Identifiers: ClinVar variation 51483 (VCV000051483.5), dbSNP rs397507674, ClinGen allele CA018282.